The following is an entry in ClinVar:

ClinVar aggregate classification (germline): Conflicting classifications of pathogenicity. Review status: criteria provided, conflicting classifications (1 of 4 stars). 2 submissions from 2 submitters: Uncertain significance (1); Likely benign (1). Last evaluated 2024-11-18.

Conditions:
Long QT syndrome (LQTS). Identifiers: MedGen C0023976, MeSH D008133, MONDO:0002442. Disease mechanism: loss of function. Inheritance: Various modes of inheritance.
Cardiac arrhythmia. Also called: Arrhythmia; Cardiac rhythm disease. Identifiers: MedGen C0003811, MONDO:0007263, HP:0011675.

Allele frequency attached by ClinVar (database versions not stated): gnomAD exomes below 0.00001.
gnomAD v4.1: 2 of 1,572,980 alleles (0.00013%); highest among the groups gnomAD compares: Non-Finnish European, 0.00017%; no homozygotes.

Submissions (2):

Color Diagnostics, LLC DBA Color Health
Classification: Likely benign for Cardiac arrhythmia. Last evaluated: 2024-11-18. Review status: criteria provided, single submitter. Criteria: ACMG Guidelines, 2015. Collection method: clinical testing. Allele origin: germline.

Labcorp Genetics (formerly Invitae), Labcorp
Classification: Uncertain significance for Long QT syndrome. Last evaluated: 2023-04-25. Review status: criteria provided, single submitter. Criteria: Invitae Variant Classification Sherloc (09022015). Collection method: clinical testing. Allele origin: germline.
Comment: This sequence change falls in intron 15 of the KCNQ1 gene. It does not directly change the encoded amino acid sequence of the KCNQ1 protein. It affects a nucleotide within the consensus splice site. This variant is not present in population databases (gnomAD no frequency). This variant has not been reported in the literature in individuals affected with KCNQ1-related conditions. Variants that disrupt the consensus splice site are a relatively common cause of aberrant splicing (PMID: 17576681, 9536098). Algorithms developed to predict the effect of sequence changes on RNA splicing suggest that this variant is not likely to affect RNA splicing. In summary, the available evidence is currently insufficient to determine the role of this variant in disease. Therefore, it has been classified as a Variant of Uncertain Significance.

Literature cited by the submitters: PubMed 17576681 (cited by Labcorp Genetics (formerly Invitae), Labcorp); PubMed 9536098 (cited by Labcorp Genetics (formerly Invitae), Labcorp).

NM_000218.3(KCNQ1):c.1795-3C>T

Genes: KCNQ1 (potassium voltage-gated channel subfamily Q member 1; plus strand), KCNQ1-AS1 (KCNQ1 antisense RNA 1; minus strand). Cytogenetic location: 11p15.4.
Variant type: single nucleotide variant.
Coding change: c.1795-3C>T on transcript NM_000218.3 (MANE Select); 3 bases into the intron before coding-DNA position 1795, C replaced by T.
Molecular consequence: intron variant.
Genome position (GRCh38, 1-based): chr11:2,847,764, C>T. VCF-style: chr11-2847764-C-T. GRCh37 (hg19) VCF-style: chr11-2868994-C-T.
Other names: c.1525-3C>T (NM_001406837.1); c.1699-3C>T (NM_001406836.1); c.1255-3C>T (NM_001406838.1); c.1414-3C>T (NM_181798.2); c.307-3C>T (NM_001406839.1).
Identifiers: ClinVar variation 2772134 (VCV002772134.3), dbSNP rs1245995530, ClinGen allele CA597432739.